The following is an entry in ClinVar:

ClinVar aggregate classification (germline): Uncertain significance (1 of 4 stars; one submission).

Conditions:
Walker-Warburg congenital muscular dystrophy. Also called: Muscular dystrophy-dystroglycanopathy, type A; Walker-Warburg syndrome. Identifiers: Orphanet 899, MedGen C0265221, MONDO:0000171.

Allele frequency attached by ClinVar (database versions not stated): TOPMed below 0.00001; ExAC 0.00001; gnomAD 0.00001; gnomAD exomes 0.00001.
gnomAD v4.1: 5 of 1,613,708 alleles (0.00031%); highest among the groups gnomAD compares: Admixed American, 0.005%; no homozygotes.

Submission:

Labcorp Genetics (formerly Invitae), Labcorp
Classification: Uncertain significance for Walker-Warburg congenital muscular dystrophy. Last evaluated: 2022-08-01. Review status: criteria provided, single submitter. Criteria: Invitae Variant Classification Sherloc (09022015). Collection method: clinical testing. Allele origin: germline.
Comment: This sequence change replaces aspartic acid, which is acidic and polar, with histidine, which is basic and polar, at codon 215 of the FKTN protein (p.Asp215His). This variant is present in population databases (rs745975808, gnomAD 0.006%). This variant has not been reported in the literature in individuals affected with FKTN-related conditions. ClinVar contains an entry for this variant (Variation ID: 407112). Algorithms developed to predict the effect of missense changes on protein structure and function are either unavailable or do not agree on the potential impact of this missense change (SIFT: "Tolerated"; PolyPhen-2: "Possibly Damaging"; Align-GVGD: "Class C0"). In summary, the available evidence is currently insufficient to determine the role of this variant in disease. Therefore, it has been classified as a Variant of Uncertain Significance.

NM_001079802.2(FKTN):c.643G>C (p.Asp215His)

Gene: FKTN (fukutin; plus strand). Cytogenetic location: 9q31.2.
Variant type: single nucleotide variant.
Coding change: c.643G>C on transcript NM_001079802.2 (MANE Select); coding-DNA position 643, G replaced by C.
Protein change: p.Asp215His; replaces aspartic acid 215 with histidine.
Molecular consequence: missense variant. On other transcripts: non-coding transcript variant (2).
Genome position (GRCh38, 1-based): chr9:105,604,488, G>C. VCF-style: chr9-105604488-G-C. GRCh37 (hg19) VCF-style: chr9-108366769-G-C.
Other names: c.643G>C, p.Asp215His (NM_001198963.2, NM_001351496.2, NM_001351498.2 and 1 more transcripts); c.574G>C, p.Asp192His (NM_001351497.2); c.247G>C, p.Asp83His (NM_001351499.2, NM_001351500.2, NM_001351501.2 and 1 more transcripts); short protein forms D215H, D83H, D192H.
Identifiers: ClinVar variation 407112 (VCV000407112.6), dbSNP rs745975808, ClinGen allele CA5170451.